The following is an entry in ClinVar:

ClinVar aggregate classification (germline): Uncertain significance. Review status: criteria provided, multiple submitters, no conflicts (2 of 4 stars). 2 submissions from 2 submitters: Uncertain significance (2). Last evaluated 2022-11-29.

Conditions:
Hereditary cancer-predisposing syndrome. Also called: Hereditary Cancer Syndrome; Neoplastic Syndromes, Hereditary; Tumor predisposition; Hereditary neoplastic syndrome. Identifiers: Orphanet 140162, MedGen C0027672, MeSH D009386, MONDO:0015356.
Familial cancer of breast. Also called: BREAST CANCER, FAMILIAL; Hereditary breast cancer; hereditary breast carcinoma. Identifiers: Orphanet 227535, MedGen C0346153, MONDO:0016419, OMIM 114480. Disease mechanism: loss of function.

Submissions (2):

Labcorp Genetics (formerly Invitae), Labcorp
Classification: Uncertain significance for Familial cancer of breast. Last evaluated: 2022-11-29. Review status: criteria provided, single submitter. Criteria: Invitae Variant Classification Sherloc (09022015). Collection method: clinical testing. Allele origin: germline.
Comment: In summary, the available evidence is currently insufficient to determine the role of this variant in disease. Therefore, it has been classified as a Variant of Uncertain Significance. Algorithms developed to predict the effect of missense changes on protein structure and function (SIFT, PolyPhen-2, Align-GVGD) all suggest that this variant is likely to be tolerated. This variant has not been reported in the literature in individuals affected with CHEK2-related conditions. This variant is not present in population databases (gnomAD no frequency). This sequence change replaces arginine, which is basic and polar, with serine, which is neutral and polar, at codon 181 of the CHEK2 protein (p.Arg181Ser).

Ambry Genetics
Classification: Uncertain significance for Hereditary cancer-predisposing syndrome. Last evaluated: 2021-06-15. Review status: criteria provided, single submitter. Criteria: Ambry Variant Classification Scheme 2023. Collection method: clinical testing. Allele origin: germline.
Comment: The p.R181S variant (also known as c.541C>A), located in coding exon 3 of the CHEK2 gene, results from a C to A substitution at nucleotide position 541. The arginine at codon 181 is replaced by serine, an amino acid with dissimilar properties. This amino acid position is poorly conserved in available vertebrate species. In addition, this alteration is predicted to be tolerated by in silico analysis. Since supporting evidence is limited at this time, the clinical significance of this alteration remains unclear.

NM_007194.4(CHEK2):c.541C>A (p.Arg181Ser)

Gene: CHEK2 (checkpoint kinase 2; minus strand). Cytogenetic location: 22q12.1.
Variant type: single nucleotide variant.
Coding change: c.541C>A on transcript NM_007194.4 (MANE Select); coding-DNA position 541, C replaced by A.
Protein change: p.Arg181Ser; replaces arginine 181 with serine.
Molecular consequence: missense variant. On other transcripts: 5 prime UTR variant (2), intron variant (1).
Genome position (GRCh38, 1-based): chr22:28,725,028, G>T on the plus strand (C>A on the coding strand, the complement: CHEK2 is on the minus strand). VCF-style: chr22-28725028-G-T. GRCh37 (hg19) VCF-style: chr22-29121016-G-T.
Other names: c.670C>A, p.Arg224Ser (NM_001005735.3, NM_001438294.1); c.-237C>A (NM_001257387.3); c.-123C>A (NM_001437942.1); c.634C>A, p.Arg212Ser (NM_001438293.1, NM_001438295.1); c.541C>A, p.Arg181Ser (NM_145862.3); c.445-105C>A (NM_001349956.3); short protein forms R181S, R224S, R212S.
Identifiers: ClinVar variation 1747420 (VCV001747420.7), dbSNP rs137853010, ClinGen allele CA411107215.